The following is an entry in ClinVar:

NM_001031689.3(PLAA):c.451dup (p.Thr151fs)

Gene: PLAA (phospholipase A2 activating protein; minus strand). Cytogenetic location: 9p21.2.
Variant type: Duplication.
Coding change: c.451dup on transcript NM_001031689.3 (MANE Select); coding-DNA position 451, one base duplicated (A; older notation c.451dupA).
Protein change: p.Thr151fs; shifts the reading frame from threonine 151.
Molecular consequence: frameshift variant.
Genome position (GRCh38, 1-based): chr9:26,928,214, T duplicated on the plus strand (A on the coding strand, the reverse complement: PLAA is on the minus strand). VCF-style (leftmost placement, unchanged base first): chr9-26928213-G-GT. GRCh37 (hg19) VCF-style: chr9-26928211-G-GT.
Other names: c.451dup, p.Thr151fs (NM_001321546.2); short protein forms T151fs.
Identifiers: ClinVar variation 1509991 (VCV001509991.5), dbSNP rs2131397259, ClinGen allele CA464162833.
Genomic context (GRCh38, chr9:26,928,213, plus strand): 5'-GCTGATCCAGTCAACATTAAGCCCTGTTCAGGTAAGATCTTTACCGCCCACACTGCAGCT[G>GT]TATGACCCTGTGAGTAAAATGAGTATCAATTTAAGTTGCCACAGAATCATTCAACTTAAT-3'

ClinVar aggregate classification (germline): Uncertain significance (1 of 4 stars; one submission).

Allele frequency attached by ClinVar (database versions not stated): gnomAD exomes below 0.00001.

Submission:

Labcorp Genetics (formerly Invitae), Labcorp
Classification: Uncertain significance. Last evaluated: 2022-08-16. Review status: criteria provided, single submitter. Criteria: Invitae Variant Classification Sherloc (09022015). Collection method: clinical testing. Allele origin: germline.
Comment: This sequence change creates a premature translational stop signal (p.Thr151Asnfs*12) in the PLAA gene. It is expected to result in an absent or disrupted protein product. However, the current clinical and genetic evidence is not sufficient to establish whether loss-of-function variants in PLAA cause disease. This variant is not present in population databases (gnomAD no frequency). This variant has not been reported in the literature in individuals affected with PLAA-related conditions. ClinVar contains an entry for this variant (Variation ID: 1509991). In summary, the available evidence is currently insufficient to determine the role of this variant in disease. Therefore, it has been classified as a Variant of Uncertain Significance.